The following is an entry in ClinVar:

NM_025132.4(WDR19):c.2192A>G (p.Asn731Ser)

Gene: WDR19 (WD repeat domain 19; plus strand). Cytogenetic location: 4p14.
Variant type: single nucleotide variant.
Coding change: c.2192A>G on transcript NM_025132.4 (MANE Select); coding-DNA position 2192, A replaced by G.
Protein change: p.Asn731Ser; replaces asparagine 731 with serine.
Molecular consequence: missense variant.
Genome position (GRCh38, 1-based): chr4:39,232,211, A>G. VCF-style: chr4-39232211-A-G. GRCh37 (hg19) VCF-style: chr4-39233831-A-G.
Other names: c.1712A>G, p.Asn571Ser (NM_001317924.2); short protein forms N571S, N731S.
Identifiers: ClinVar variation 1056208 (VCV001056208.4), dbSNP rs777105752, ClinGen allele CA2892025.

ClinVar aggregate classification (germline): Uncertain significance (1 of 4 stars; one submission).

Conditions:
Senior-Loken syndrome 8 (SLSN8). Identifiers: Orphanet 3156, MedGen C4225376, MONDO:0014579, OMIM 616307.
Asphyxiating thoracic dystrophy 5 (SRTD5). Also called: SHORT-RIB THORACIC DYSPLASIA 5 WITH OR WITHOUT POLYDACTYLY; SHORT-RIB THORACIC DYSPLASIA 5 WITHOUT POLYDACTYLY. Identifiers: Orphanet 474, MedGen C3280598, MONDO:0013717, OMIM 614376.

Allele frequency attached by ClinVar (database versions not stated): gnomAD exomes below 0.00001 and 0.00001; gnomAD 0.00001; TOPMed 0.00001; ExAC 0.00002.
gnomAD v4.1: 6 of 1,613,780 alleles (0.00037%); highest among the groups gnomAD compares: African/African-American, 0.0067%; no homozygotes.

Submission:

Labcorp Genetics (formerly Invitae), Labcorp
Classification: Uncertain significance for Senior-Loken syndrome 8; Asphyxiating thoracic dystrophy 5. Last evaluated: 2022-08-23. Review status: criteria provided, single submitter. Criteria: Invitae Variant Classification Sherloc (09022015). Collection method: clinical testing. Allele origin: germline.
Comment: This sequence change replaces asparagine, which is neutral and polar, with serine, which is neutral and polar, at codon 731 of the WDR19 protein (p.Asn731Ser). This variant is present in population databases (rs777105752, gnomAD 0.008%). This variant has not been reported in the literature in individuals affected with WDR19-related conditions. ClinVar contains an entry for this variant (Variation ID: 1056208). Algorithms developed to predict the effect of missense changes on protein structure and function output the following: SIFT: "Tolerated"; PolyPhen-2: "Benign"; Align-GVGD: "Class C0". The serine amino acid residue is found in multiple mammalian species, which suggests that this missense change does not adversely affect protein function. Algorithms developed to predict the effect of sequence changes on RNA splicing suggest that this variant may create or strengthen a splice site. In summary, the available evidence is currently insufficient to determine the role of this variant in disease. Therefore, it has been classified as a Variant of Uncertain Significance.